The following is an entry in ClinVar:

ClinVar aggregate classification (germline): Conflicting classifications of pathogenicity. Review status: criteria provided, conflicting classifications (1 of 4 stars). 4 submissions from 3 submitters: Pathogenic (1); Likely pathogenic (1); Uncertain significance (2). Last evaluated 2024-10-04.

Conditions:
Pigmentary pallidal degeneration (NBIA1). Also called: PKAN NEUROAXONAL DYSTROPHY, JUVENILE-ONSET; Neurodegeneration with brain iron accumulation 1; Pantothenate Kinase-Associated Neurodegeneration; Neuroaxonal dystrophy, late infantile; Hallervorden-Spatz disease; HARP SYNDROME. Identifiers: Orphanet 157850, MedGen C0018523, MONDO:0009319, OMIM 234200.
Hypoprebetalipoproteinemia, acanthocytosis, retinitis pigmentosa, and pallidal degeneration. Identifiers: MedGen C1846582, MONDO:0011798.

Submissions (4):

Dubai Health Genomic Medicine Center, Dubai Health
Classification: Likely pathogenic for Neurodegeneration with brain iron accumulation 1. Last evaluated: 2024-10-04. Review status: criteria provided, single submitter. Criteria: ACMG Guidelines, 2015. Collection method: research. Allele origin: germline. Affected: yes.
Comment: PM5,PM2,PP3,PP1

Labcorp Genetics (formerly Invitae), Labcorp
Classification: Pathogenic for Pigmentary pallidal degeneration. Last evaluated: 2023-08-14. Review status: criteria provided, single submitter. Criteria: Invitae Variant Classification Sherloc (09022015). Collection method: clinical testing. Allele origin: germline.
Comment: For these reasons, this variant has been classified as Pathogenic. This variant disrupts the p.Arg481 amino acid residue in PANK2. Other variant(s) that disrupt this residue have been observed in individuals with PANK2-related conditions (PMID: 16437574; Invitae), which suggests that this may be a clinically significant amino acid residue. Advanced modeling of protein sequence and biophysical properties (such as structural, functional, and spatial information, amino acid conservation, physicochemical variation, residue mobility, and thermodynamic stability) performed at Invitae indicates that this missense variant is expected to disrupt PANK2 protein function. ClinVar contains an entry for this variant (Variation ID: 587442). This missense change has been observed in individual(s) with neurodegeneration with brain iron accumulation (PMID: 23166001). This variant is not present in population databases (gnomAD no frequency). This sequence change replaces arginine, which is basic and polar, with proline, which is neutral and non-polar, at codon 481 of the PANK2 protein (p.Arg481Pro).

Genomic Research Center, Shahid Beheshti University of Medical Sciences
Classification: Uncertain significance for Pigmentary pallidal degeneration. Last evaluated: 2018-08-07. Review status: criteria provided, single submitter. Criteria: ACMG Guidelines, 2015. Collection method: clinical testing. Allele origin: inherited. Affected: yes. Observed: 1 variant allele.

Genomic Research Center, Shahid Beheshti University of Medical Sciences
Classification: Uncertain significance for Hypoprebetalipoproteinemia, acanthocytosis, retinitis pigmentosa, and pallidal degeneration. Last evaluated: 2018-08-07. Review status: criteria provided, single submitter. Criteria: ACMG Guidelines, 2015. Collection method: clinical testing. Allele origin: inherited. Affected: yes. Observed: 1 variant allele.

Literature cited by the submitters: PubMed 16437574 (cited by Labcorp Genetics (formerly Invitae), Labcorp); PubMed 23166001 (cited by Labcorp Genetics (formerly Invitae), Labcorp).

NM_001386393.1(PANK2):c.1112G>C (p.Arg371Pro)

Gene: PANK2 (pantothenate kinase 2; plus strand). Cytogenetic location: 20p13.
Variant type: single nucleotide variant.
Coding change: c.1112G>C on transcript NM_001386393.1 (MANE Select); coding-DNA position 1112, G replaced by C.
Protein change: p.Arg371Pro; replaces arginine 371 with proline.
Molecular consequence: missense variant. On other transcripts: non-coding transcript variant (1).
Genome position (GRCh38, 1-based): chr20:3,916,956, G>C. VCF-style: chr20-3916956-G-C. GRCh37 (hg19) VCF-style: chr20-3897603-G-C.
Other names: c.569G>C, p.Arg190Pro (NM_001324191.2, NM_024960.6, NM_153640.4); c.134G>C, p.Arg45Pro (NM_001324193.2); c.1442G>C, p.Arg481Pro (NM_153638.4); short protein forms R481P, R45P, R190P, R371P.
Identifiers: ClinVar variation 587442 (VCV000587442.8), dbSNP rs1241995212, ClinGen allele CA408119285.